The following is an entry in ClinVar:

ClinVar aggregate classification (germline): Uncertain significance (1 of 4 stars; one submission).

Conditions:
Cardiovascular phenotype. Identifiers: MedGen CN230736.

gnomAD v4.1: 2 of 1,614,152 alleles (0.00012%); highest among the groups gnomAD compares: Non-Finnish European, 0.00017%; no homozygotes.

Submission:

Ambry Genetics
Classification: Uncertain significance for Cardiovascular phenotype. Last evaluated: 2025-12-24. Review status: criteria provided, single submitter. Criteria: Ambry Variant Classification Scheme 2023. Collection method: clinical testing. Allele origin: germline.
Comment: The p.P310L variant (also known as c.929C>T), located in coding exon 6 of the ABCG8 gene, results from a C to T substitution at nucleotide position 929. The proline at codon 310 is replaced by leucine, an amino acid with similar properties. This amino acid position is conserved. In addition, the in silico prediction for this alteration is inconclusive. Based on the available evidence, the clinical significance of this variant remains unclear.

NM_022437.3(ABCG8):c.929C>T (p.Pro310Leu)

Gene: ABCG8 (ATP binding cassette subfamily G member 8; plus strand). Cytogenetic location: 2p21.
Variant type: single nucleotide variant.
Coding change: c.929C>T on transcript NM_022437.3 (MANE Select); coding-DNA position 929, C replaced by T.
Protein change: p.Pro310Leu; replaces proline 310 with leucine.
Molecular consequence: missense variant.
Genome position (GRCh38, 1-based): chr2:43,852,833, C>T. VCF-style: chr2-43852833-C-T. GRCh37 (hg19) VCF-style: chr2-44079972-C-T.
Other names: c.929C>T, p.Pro310Leu (NM_001357321.2); short protein forms P310L.
Identifiers: ClinVar variation 4613351 (VCV004613351.2).